The following is an entry in ClinVar:

ClinVar aggregate classification (germline): Uncertain significance (1 of 4 stars; one submission).

Allele frequency attached by ClinVar (database versions not stated): gnomAD exomes 0.00001; TOPMed 0.00003; gnomAD 0.00004; ExAC 0.00007; 1000 Genomes Project 30x 0.00016; 1000 Genomes Project 0.00020.
gnomAD v4.1: 16 of 1,613,522 alleles (0.00099%); highest among the groups gnomAD compares: East Asian, 0.033%; no homozygotes.

Submission:

Labcorp Genetics (formerly Invitae), Labcorp
Classification: Uncertain significance. Last evaluated: 2025-08-18. Review status: criteria provided, single submitter. Criteria: Invitae Variant Classification Sherloc (09022015). Collection method: clinical testing. Allele origin: germline.
Comment: This sequence change replaces isoleucine, which is neutral and non-polar, with threonine, which is neutral and polar, at codon 1173 of the HMCN1 protein (p.Ile1173Thr). This variant is present in population databases (rs559672796, gnomAD 0.07%), and has an allele count higher than expected for a pathogenic variant. This variant has not been reported in the literature in individuals affected with HMCN1-related conditions. ClinVar contains an entry for this variant (Variation ID: 2186938). An algorithm developed to predict the effect of missense changes on protein structure and function (PolyPhen-2) suggests that this variant is likely to be disruptive. In summary, the available evidence is currently insufficient to determine the role of this variant in disease. Therefore, it has been classified as a Variant of Uncertain Significance.

NM_031935.3(HMCN1):c.3518T>C (p.Ile1173Thr)

Gene: HMCN1 (hemicentin 1; plus strand). Cytogenetic location: 1q31.1.
Variant type: single nucleotide variant.
Coding change: c.3518T>C on transcript NM_031935.3 (MANE Select); coding-DNA position 3518, T replaced by C.
Protein change: p.Ile1173Thr; replaces isoleucine 1173 with threonine.
Molecular consequence: missense variant.
Genome position (GRCh38, 1-based): chr1:185,994,827, T>C. VCF-style: chr1-185994827-T-C. GRCh37 (hg19) VCF-style: chr1-185963959-T-C.
Other names: short protein forms I1173T.
Identifiers: ClinVar variation 2186938 (VCV002186938.4), dbSNP rs559672796, ClinGen allele CA1291756.